The following is an entry in ClinVar:

ClinVar aggregate classification (germline): Likely benign. Review status: criteria provided, multiple submitters, no conflicts (2 of 4 stars). 2 submissions from 2 submitters: Likely benign (2). Last evaluated 2026-04-01.

gnomAD v4.1: 96 of 1,614,064 alleles (0.0059%); highest among the groups gnomAD compares: Non-Finnish European, 0.0011%; no homozygotes.

Submissions (2):

CeGaT Center for Human Genetics Tuebingen
Classification: Likely benign. Last evaluated: 2026-04-01. Review status: criteria provided, single submitter. Criteria: CeGaT Center For Human Genetics Tuebingen Variant Classification Criteria Version 2. Collection method: clinical testing. Allele origin: germline. Affected: yes. Observed: 1 variant allele.
Comment: SYNJ1: BP4, BP7

Blueprint Genetics
Classification: Likely benign. Last evaluated: 2020-08-19. Review status: criteria provided, single submitter. Criteria: ACMG Guidelines, 2015. Collection method: clinical testing. Allele origin: germline.

NM_203446.3(SYNJ1):c.2541G>T (p.Leu847=)

Gene: SYNJ1 (synaptojanin 1; minus strand). Cytogenetic location: 21q22.11.
Variant type: single nucleotide variant.
Coding change: c.2541G>T on transcript NM_203446.3 (MANE Select); coding-DNA position 2541, G replaced by T.
Protein change: p.Leu847=; no amino-acid change (leucine 847 retained).
Molecular consequence: synonymous variant.
Genome position (GRCh38, 1-based): chr21:32,657,041, C>A on the plus strand (G>T on the coding strand, the complement: SYNJ1 is on the minus strand). VCF-style: chr21-32657041-C-A. GRCh37 (hg19) VCF-style: chr21-34029351-C-A.
Other names: c.2541G>T, p.Leu847= (NM_001160302.2); c.2526G>T, p.Leu842= (NM_001160306.2); c.2658G>T, p.Leu886= (NM_003895.4).
Identifiers: ClinVar variation 4872373 (VCV004872373.3).